The following is an entry in ClinVar:

ClinVar aggregate classification (germline): Benign. Review status: criteria provided, multiple submitters, no conflicts (2 of 4 stars). 4 submissions from 4 submitters: Benign (3). 1 of the submissions does not count toward it. Last evaluated 2026-02-02.

Conditions:
PCDH19-related disorder. Also called: PCDH19-related condition.
Inborn genetic diseases. Identifiers: MedGen C0950123, MeSH D030342.
Developmental and epileptic encephalopathy, 9 (DEE9). Also called: Early infantile epileptic encephalopathy 9; PCDH19-Related X-Linked Female-Limited Epilepsy with Mental Retardation; EPILEPSY, FEMALE-RESTRICTED, WITH MENTAL RETARDATION; JUBERG-HELLMAN SYNDROME. Identifiers: Orphanet 101039, Orphanet 2076, MedGen C1848137, MONDO:0010246, OMIM 300088. Disease mechanism: loss of function.

Allele frequency attached by ClinVar (database versions not stated): gnomAD exomes 0.00004 and 0.00015; gnomAD 0.00050 and 0.00055; ESP Exome Variant Server 0.00096; 1000 Genomes Project 30x 0.00021; 1000 Genomes Project 0.00026; TOPMed 0.00069; ExAC 0.00022.
gnomAD v4.1: 107 of 1,211,119 alleles (0.0088%); highest among the groups gnomAD compares: African/African-American, 0.14%; no homozygotes.

Submissions (5):

Labcorp Genetics (formerly Invitae), Labcorp
Classification: Benign for Developmental and epileptic encephalopathy, 9. Last evaluated: 2026-02-02. Review status: criteria provided, single submitter. Criteria: Invitae Variant Classification Sherloc (09022015). Collection method: clinical testing. Allele origin: germline.

Ambry Genetics
Classification: Benign for Inborn genetic diseases. Last evaluated: 2018-10-22. Review status: criteria provided, single submitter. Criteria: Ambry Variant Classification Scheme 2023. Collection method: clinical testing. Allele origin: germline.

GeneDx
Classification: Benign. Last evaluated: 2013-09-16. Review status: criteria provided, single submitter. Criteria: GeneDx Variant Classification (06012015). Collection method: clinical testing. Allele origin: germline. Affected: yes.
Comment: This variant is considered likely benign or benign based on one or more of the following criteria: it is a conservative change, it occurs at a poorly conserved position in the protein, it is predicted to be benign by multiple in silico algorithms, and/or has population frequency not consistent with disease.

PreventionGenetics, part of Exact Sciences
Classification: Likely benign for PCDH19-related condition. Last evaluated: 2022-06-27. Review status: no assertion criteria provided. Collection method: clinical testing. Allele origin: germline. Not counted in ClinVar's aggregate classification.
Comment: This variant is classified as likely benign based on ACMG/AMP sequence variant interpretation guidelines (Richards et al. 2015 PMID: 25741868, with internal and published modifications).

Dr. Peter K. Rogan Lab, Western University
No classification provided (evidence only). Condition: Thyroid cancer, nonmedullary, 1. Review status: no classification provided. Collection method: in vitro. Allele origin: not applicable. Functional consequence: retained intron. Not counted in ClinVar's aggregate classification.

NM_001184880.2(PCDH19):c.717C>T (p.Ser239=)

Gene: PCDH19 (protocadherin 19; minus strand). Cytogenetic location: Xq22.1.
Variant type: single nucleotide variant.
Coding change: c.717C>T on transcript NM_001184880.2 (MANE Select); coding-DNA position 717, C replaced by T.
Protein change: p.Ser239=; no amino-acid change (serine 239 retained).
Molecular consequence: synonymous variant.
Genome position (GRCh38, 1-based): chrX:100,407,881, G>A on the plus strand (C>T on the coding strand, the complement: PCDH19 is on the minus strand). VCF-style: chrX-100407881-G-A. GRCh37 (hg19) VCF-style: chrX-99662879-G-A.
Other names: p.S239S:AGC>AGT; c.717C>T, p.Ser239= (NM_001105243.2, NM_020766.3).
Identifiers: ClinVar variation 138597 (VCV000138597.17), dbSNP rs199628956, ClinGen allele CA292695.
Genomic context (GRCh38, chrX:100,407,881, plus strand): 5'-GCGGATGACGGGTGTGTTGGGAGGCGAGTTTTCTGGCACGCTCACCGCGTAGGTGGACTC[G>A]CTAAACACCGGGTTGTTGTCATTGGAGTCGGTCACCTTGATACTAAGGCCAACGGTGCCC-3'
Protein context (NP_001171809.1, residues 229-249): TDSNDNNPVF[Ser239=]ESTYAVSVPE